The following is an entry in ClinVar:

ClinVar aggregate classification (germline): Uncertain significance (1 of 4 stars; one submission).

Conditions:
Inborn genetic diseases. Identifiers: MedGen C0950123, MeSH D030342.

Submission:

Ambry Genetics
Classification: Uncertain significance for Inborn genetic diseases. Last evaluated: 2024-11-01. Review status: criteria provided, single submitter. Criteria: Ambry Variant Classification Scheme 2023. Collection method: clinical testing. Allele origin: germline.
Comment: The c.5917G>A (p.V1973M) alteration is located in exon 41 (coding exon 40) of the TRRAP gene. This alteration results from a G to A substitution at nucleotide position 5917, causing the valine (V) at amino acid position 1973 to be replaced by a methionine (M). This variant was not reported in population-based cohorts in the Genome Aggregation Database (gnomAD). This amino acid position is highly conserved in available vertebrate species. This alteration is predicted to be deleterious by in silico analysis. Based on insufficient or conflicting evidence, the clinical significance of this alteration remains unclear.

NM_001375524.1(TRRAP):c.5938G>A (p.Val1980Met)

Gene: TRRAP (transformation/transcription domain associated protein; plus strand). Cytogenetic location: 7q22.1.
Variant type: single nucleotide variant.
Coding change: c.5938G>A on transcript NM_001375524.1 (MANE Select); coding-DNA position 5938, G replaced by A.
Protein change: p.Val1980Met; replaces valine 1980 with methionine.
Molecular consequence: missense variant.
Genome position (GRCh38, 1-based): chr7:98,956,146, G>A. VCF-style: chr7-98956146-G-A. GRCh37 (hg19) VCF-style: chr7-98553769-G-A.
Other names: c.5917G>A, p.Val1973Met (NM_001244580.2); c.5863G>A, p.Val1955Met (NM_003496.4); short protein forms V1973M, V1980M, V1955M.
Identifiers: ClinVar variation 3462387 (VCV003462387.1).